The following is an entry in ClinVar:

ClinVar aggregate classification (germline): Uncertain significance (1 of 4 stars; one submission).

Conditions:
Pyruvate carboxylase deficiency. Also called: Pyruvate Carboxylase Deficiency Disease; ATAXIA WITH LACTIC ACIDOSIS II; LEIGH NECROTIZING ENCEPHALOPATHY DUE TO PYRUVATE CARBOXYLASE DEFICIENCY; LEIGH SYNDROME DUE TO PYRUVATE CARBOXYLASE DEFICIENCY; PC DEFICIENCY. Identifiers: Orphanet 3008, MedGen C0034341, MONDO:0009949, OMIM 266150.

Submission:

Labcorp Genetics (formerly Invitae), Labcorp
Classification: Uncertain significance for Pyruvate carboxylase deficiency. Last evaluated: 2021-10-05. Review status: criteria provided, single submitter. Criteria: Invitae Variant Classification Sherloc (09022015). Collection method: clinical testing. Allele origin: germline.
Comment: This sequence change replaces glutamic acid with glutamine at codon 223 of the PC protein (p.Glu223Gln). The glutamic acid residue is highly conserved and there is a small physicochemical difference between glutamic acid and glutamine. This variant is not present in population databases (ExAC no frequency). This variant has not been reported in the literature in individuals affected with PC-related conditions. Algorithms developed to predict the effect of missense changes on protein structure and function (SIFT, PolyPhen-2, Align-GVGD) all suggest that this variant is likely to be disruptive. In summary, the available evidence is currently insufficient to determine the role of this variant in disease. Therefore, it has been classified as a Variant of Uncertain Significance.

NM_001040716.2(PC):c.667G>C (p.Glu223Gln)

Gene: PC (pyruvate carboxylase; minus strand). Cytogenetic location: 11q13.2.
Variant type: single nucleotide variant.
Coding change: c.667G>C on transcript NM_001040716.2 (MANE Select); coding-DNA position 667, G replaced by C.
Protein change: p.Glu223Gln; replaces glutamic acid 223 with glutamine.
Molecular consequence: missense variant.
Genome position (GRCh38, 1-based): chr11:66,870,859, C>G on the plus strand (G>C on the coding strand, the complement: PC is on the minus strand). VCF-style: chr11-66870859-C-G. GRCh37 (hg19) VCF-style: chr11-66638330-C-G.
Other names: c.667G>C, p.Glu223Gln (NM_000920.4, NM_022172.3); short protein forms E223Q.
Identifiers: ClinVar variation 1973087 (VCV001973087.2), dbSNP rs2495775799, ClinGen allele CA381501917.